The following is an entry in ClinVar:

NM_139318.5(KCNH5):c.731A>G (p.Asn244Ser)

Gene: KCNH5 (potassium voltage-gated channel subfamily H member 5; minus strand). Cytogenetic location: 14q23.2.
Variant type: single nucleotide variant.
Coding change: c.731A>G on transcript NM_139318.5 (MANE Select); coding-DNA position 731, A replaced by G.
Protein change: p.Asn244Ser; replaces asparagine 244 with serine.
Molecular consequence: missense variant.
Genome position (GRCh38, 1-based): chr14:62,981,083, T>C on the plus strand (A>G on the coding strand, the complement: KCNH5 is on the minus strand). VCF-style: chr14-62981083-T-C. GRCh37 (hg19) VCF-style: chr14-63447801-T-C.
Other names: c.731A>G, p.Asn244Ser (NM_172375.3); short protein forms N244S.
Identifiers: ClinVar variation 2916873 (VCV002916873.3), dbSNP rs1229966999, ClinGen allele CA390104253.

ClinVar aggregate classification (germline): Uncertain significance (1 of 4 stars; one submission).

Conditions:
Early-infantile DEE. Also called: Early infantile epileptic encephalopathy; Early infantile epileptic encephalopathy with suppression bursts; Ohtahara syndrome. Identifiers: Orphanet 1934, MedGen C0393706, MONDO:0800491.

Allele frequency attached by ClinVar (database versions not stated): TOPMed below 0.00001; gnomAD exomes below 0.00001.
gnomAD v4.1: 2 of 1,614,206 alleles (0.00012%); highest among the groups gnomAD compares: Admixed American, 0.0017%; no homozygotes.

Submission:

Labcorp Genetics (formerly Invitae), Labcorp
Classification: Uncertain significance for Early-infantile DEE. Last evaluated: 2023-06-14. Review status: criteria provided, single submitter. Criteria: Invitae Variant Classification Sherloc (09022015). Collection method: clinical testing. Allele origin: germline.
Comment: This sequence change replaces asparagine, which is neutral and polar, with serine, which is neutral and polar, at codon 244 of the KCNH5 protein (p.Asn244Ser). In summary, the available evidence is currently insufficient to determine the role of this variant in disease. Therefore, it has been classified as a Variant of Uncertain Significance. Advanced modeling of protein sequence and biophysical properties (such as structural, functional, and spatial information, amino acid conservation, physicochemical variation, residue mobility, and thermodynamic stability) performed at Invitae indicates that this missense variant is not expected to disrupt KCNH5 protein function. This variant has not been reported in the literature in individuals affected with KCNH5-related conditions. This variant is present in population databases (no rsID available, gnomAD 0.003%).